The following is an entry in ClinVar:

ClinVar aggregate classification (germline): Likely pathogenic (1 of 4 stars; one submission).

Submission:

Dasa
Classification: Likely pathogenic. Last evaluated: 2025-07-15. Review status: criteria provided, single submitter. Criteria: DASA Assertion Criteria. Collection method: clinical testing. Allele origin: germline.
Comment: NM_001673.5(ASNS):c.222C>A (p.Tyr74*) is a nonsense variant in ASNS predicted to introduce a premature termination codon and is predicted to result in an absent or altered protein product. Loss of function is an established disease mechanism for ASNS-associated disorders. Also, this variant is absent from population databases. Based on the currently available evidence, this variant is classified as likely pathogenic.

NM_001673.5(ASNS):c.222C>A (p.Tyr74Ter)

Genes: ASNS (asparagine synthetase (glutamine-hydrolyzing); minus strand), CZ1P-ASNS (CZ1P-ASNS readthrough; minus strand). Cytogenetic location: 7q21.3.
Variant type: single nucleotide variant.
Coding change: c.222C>A on transcript NM_001673.5 (MANE Select); coding-DNA position 222, C replaced by A.
Protein change: p.Tyr74Ter; replaces tyrosine 74 with a stop codon.
Molecular consequence: nonsense. On other transcripts: non-coding transcript variant (1), intron variant (2).
Genome position (GRCh38, 1-based): chr7:97,868,935, G>T on the plus strand (C>A on the coding strand, the complement: ASNS is on the minus strand). VCF-style: chr7-97868935-G-T. GRCh37 (hg19) VCF-style: chr7-97498247-G-T.
Other names: c.159C>A, p.Tyr53Ter (NM_001178075.2); c.222C>A, p.Tyr74Ter (NM_001352496.2, NM_133436.3, NM_183356.4); c.-1+3416C>A (NM_001178076.2); c.-1+3106C>A (NM_001178077.1); short protein forms Y53*, Y74*.
Identifiers: ClinVar variation 4884915 (VCV004884915.2).